The following is an entry in ClinVar:

NM_006031.6(PCNT):c.5142T>C (p.Ile1714=)

Gene: PCNT (pericentrin; plus strand). Cytogenetic location: 21q22.3.
Variant type: single nucleotide variant.
Coding change: c.5142T>C on transcript NM_006031.6 (MANE Select); coding-DNA position 5142, T replaced by C.
Protein change: p.Ile1714=; no amino-acid change (isoleucine 1714 retained).
Molecular consequence: synonymous variant.
Genome position (GRCh38, 1-based): chr21:46,411,215, T>C. VCF-style: chr21-46411215-T-C. GRCh37 (hg19) VCF-style: chr21-47831129-T-C.
Other names: c.5142T>C (NM_006031.5); c.4788T>C, p.Ile1596= (NM_001315529.2).
Identifiers: ClinVar variation 2965243 (VCV002965243.4), dbSNP rs773642627, ClinGen allele CA10079911.
Genomic context (GRCh38, chr21:46,411,215, plus strand): 5'-TTTAATTTGCCTCTGAAATGTCCTCTCTCTTCAGGTCATATATACCAGAAGTTCTGAGAT[T>C]GAAGAGCTGAAAGCCACTATTGAAAATCTGCAAGAGAATCAGAAACGATTACAAAAGGAG-3'
Protein context (NP_006022.3, residues 1704-1724): LKVIYTRSSE[Ile1714=]EELKATIENL

ClinVar aggregate classification (germline): Likely benign. Review status: criteria provided, multiple submitters, no conflicts (2 of 4 stars). 2 submissions from 2 submitters: Likely benign (2). Last evaluated 2025-05-14.

Conditions:
PCNT-related disorder. Also called: PCNT-related condition.

Allele frequency attached by ClinVar (database versions not stated): ExAC 0.00001; gnomAD exomes 0.00001; TOPMed 0.00001.
gnomAD v4.1: 3 of 1,614,144 alleles (0.00019%); highest among the groups gnomAD compares: Non-Finnish European, 0.00025%; no homozygotes.

Submissions (2):

PreventionGenetics, part of Exact Sciences
Classification: Likely benign for PCNT-related condition. Last evaluated: 2025-05-14. Review status: criteria provided, single submitter. Criteria: ACMG Guidelines, 2015. Collection method: clinical testing. Allele origin: germline.
Comment: This variant is classified as likely benign based on ACMG/AMP sequence variant interpretation guidelines (Richards et al. 2015 PMID: 25741868, with internal and published modifications).

Labcorp Genetics (formerly Invitae), Labcorp
Classification: Likely benign. Last evaluated: 2024-02-11. Review status: criteria provided, single submitter. Criteria: Invitae Variant Classification Sherloc (09022015). Collection method: clinical testing. Allele origin: germline.